The following is an entry in ClinVar:

ClinVar aggregate classification (germline): Pathogenic (0 of 4 stars; one submission).

Conditions:
Carcinoma of colon (CRC). Also called: Colon carcinoma; Colonic carcinoma. Identifiers: MedGen C0699790, MONDO:0002032.

Submission:

Department of Pathology and Laboratory Medicine, Sinai Health System
Classification: Pathogenic for Carcinoma of colon. Review status: no assertion criteria provided. Collection method: clinical testing. Allele origin: unknown. Affected: yes. Study: The Canadian Open Genetics Repository (COGR).
Comment: The p.Glu109X variant was not identified in the literature nor was it identified in dbSNP NHLBI Exome Sequencing Project (Exome Variant Server), Exome Aggregation Consortium (ExAC) database, HGMD, MutDB, â€šÃ„ÃºMismatch Repair Genes Variant Databaseâ€šÃ„Ã¹, â€šÃ„ÃºMMR Gene Unclassified Variants Databaseâ€šÃ„Ã¹, InSiGHT Colon Cancer Gene Variant Database, â€šÃ„ÃºZhejiang Colon Cancer Databaseâ€šÃ„Ã¹, the ClinVar database, GeneInsight VariantWire database, and UMD databases. The variant was identified in the COSMIC database in one somatic breast carcinoma. The p.Glu109X variant leads to a premature stop codon at position 109, which is predicted to lead to a truncated or absent protein and loss of function. Loss of function variants of the APC gene are an established mechanism of disease in familial adenomatous polyposis and is the type of variant expected to cause the disorder. In summary, based on the above information, this variant meets our laboratoryâ€šÃ„Ã´s criteria to be classified as pathogenic.

NM_000038.6(APC):c.325G>T (p.Glu109Ter)

Gene: APC (APC regulator of Wnt signaling pathway; plus strand). Cytogenetic location: 5q22.2.
Variant type: single nucleotide variant.
Coding change: c.325G>T on transcript NM_000038.6 (MANE Select); coding-DNA position 325, G replaced by T.
Protein change: p.Glu109Ter; replaces glutamic acid 109 with a stop codon.
Molecular consequence: nonsense. On other transcripts: 5 prime UTR variant (1).
Genome position (GRCh38, 1-based): chr5:112,767,293, G>T. VCF-style: chr5-112767293-G-T. GRCh37 (hg19) VCF-style: chr5-112102990-G-T.
Other names: c.325G>T, p.Glu109Ter (NM_001127510.3, NM_001354895.2, NM_001354896.2 and 2 more transcripts); c.355G>T, p.Glu119Ter (NM_001127511.3, NM_001354897.2, NM_001354902.2); c.250G>T, p.Glu84Ter (NM_001354898.2, NM_001354904.2); c.148G>T, p.Glu50Ter (NM_001354900.2, NM_001354901.2, NM_001354905.2); c.-711G>T (NM_001354906.2); short protein forms E109*, E119*, E84*, E50*.
Identifiers: ClinVar variation 433599 (VCV000433599.2), dbSNP rs1414406816, ClinGen allele CA16022032.
Genomic context (GRCh38, chr5:112,767,293, plus strand): 5'-TCAAAAATGTCCCTCCGTTCTTATGGAAGCCGGGAAGGATCTGTATCAAGCCGTTCTGGA[G>T]AGTGCAGTCCTGTTCCTATGGGTTCATTTCCAAGAAGAGGGTTTGTAAATGGAAGCAGAG-3'